The following is an entry in ClinVar:

ClinVar aggregate classification (germline): Conflicting classifications of pathogenicity. Review status: criteria provided, conflicting classifications (1 of 4 stars). 7 submissions from 5 submitters: Uncertain significance (3); Benign (1); Likely benign (3). Last evaluated 2026-02-01.

Conditions:
Hereditary spherocytosis type 3. Also called: Spherocytosis type 3; SPTA1-Related Spherocytosis. Identifiers: Orphanet 822, MedGen C2678338, MONDO:0010053, OMIM 270970.
Elliptocytosis 2 (EL2). Also called: ELLIPTOCYTOSIS, RHESUS-UNLINKED TYPE. Identifiers: Orphanet 288, MedGen C1851741, MONDO:0007533, OMIM 130600.
Pyropoikilocytosis, hereditary. Also called: Pyropoikilocytosis. Identifiers: MedGen C0520739, MONDO:0009948, OMIM 266140, HP:0004839. Disease mechanism: loss of function.

Allele frequency attached by ClinVar (database versions not stated): gnomAD exomes 0.00044 and 0.00101; ExAC 0.00109; ESP Exome Variant Server 0.00292; 1000 Genomes Project 30x 0.00297; 1000 Genomes Project 0.00319; gnomAD 0.00337 and 0.00367; TOPMed 0.00383.
gnomAD v4.1: 1,184 of 1,613,928 alleles (0.073%); highest among the groups gnomAD compares: African/African-American, 1.2%; 11 homozygotes.

Submissions (7):

Labcorp Genetics (formerly Invitae), Labcorp
Classification: Benign. Last evaluated: 2026-02-01. Review status: criteria provided, single submitter. Criteria: Invitae Variant Classification Sherloc (09022015). Collection method: clinical testing. Allele origin: germline.

Mayo Clinic Laboratories, Mayo Clinic
Classification: Uncertain significance. Last evaluated: 2025-06-03. Review status: criteria provided, single submitter. Criteria: ACMG Guidelines, 2015. Collection method: clinical testing. Allele origin: germline. Observed: 11 variant alleles.
Comment: BP4

ARUP Laboratories, Molecular Genetics and Genomics, ARUP Laboratories
Classification: Likely benign. Last evaluated: 2025-05-02. Review status: criteria provided, single submitter. Criteria: ARUP Molecular Germline Variant Investigation Process 2024. Collection method: clinical testing. Allele origin: germline.

Blueprint Genetics
Classification: Likely benign. Last evaluated: 2024-11-06. Review status: criteria provided, single submitter. Criteria: ACMG Guidelines, 2015. Collection method: clinical testing. Allele origin: germline.

Illumina Laboratory Services, Illumina
Classification: Likely benign for Elliptocytosis 2. Last evaluated: 2018-01-12. Review status: criteria provided, single submitter. Criteria: ICSL Variant Classification Criteria 13 December 2019. Collection method: clinical testing. Allele origin: germline.
Comment: This variant was observed in the ICSL laboratory as part of a predisposition screen in an ostensibly healthy population. It had not been previously curated by ICSL or reported in the Human Gene Mutation Database (HGMD: prior to June 1st, 2018), and was therefore a candidate for classification through an automated scoring system. Utilizing variant allele frequency, disease prevalence and penetrance estimates, and inheritance mode, an automated score was calculated to assess if this variant is too frequent to cause the disease. Based on the score and internal cut-off values, a variant classified as likely benign is not then subjected to further curation. The score for this variant resulted in a classification of likely benign for this disease.

Illumina Laboratory Services, Illumina
Classification: Uncertain significance for Pyropoikilocytosis, hereditary. Last evaluated: 2018-01-12. Review status: criteria provided, single submitter. Criteria: ICSL Variant Classification Criteria 13 December 2019. Collection method: clinical testing. Allele origin: germline.

Illumina Laboratory Services, Illumina
Classification: Uncertain significance for Hereditary spherocytosis type 3. Last evaluated: 2018-01-12. Review status: criteria provided, single submitter. Criteria: ICSL Variant Classification Criteria 13 December 2019. Collection method: clinical testing. Allele origin: germline.

Literature cited by the submitters: PubMed 28090778 (cited by Mayo Clinic Laboratories, Mayo Clinic).

NM_003126.4(SPTA1):c.5911G>A (p.Asp1971Asn)

Gene: SPTA1 (spectrin alpha, erythrocytic 1; minus strand). Cytogenetic location: 1q23.1.
Variant type: single nucleotide variant.
Coding change: c.5911G>A on transcript NM_003126.4 (MANE Select); coding-DNA position 5911, G replaced by A.
Protein change: p.Asp1971Asn; replaces aspartic acid 1971 with asparagine.
Molecular consequence: missense variant.
Genome position (GRCh38, 1-based): chr1:158,623,192, C>T on the plus strand (G>A on the coding strand, the complement: SPTA1 is on the minus strand). VCF-style: chr1-158623192-C-T. GRCh37 (hg19) VCF-style: chr1-158592982-C-T.
Other names: short protein forms D1971N.
Identifiers: ClinVar variation 292959 (VCV000292959.33), dbSNP rs116466258, ClinGen allele CA1182137.
Genomic context (GRCh38, chr1:158,623,192, plus strand): 5'-GGTCAGTGATCTCGGGAAGTCTCTCTTGCTGGAAACTCTGCAGACTGGCATCCAGAGTGT[C>T]CTGAGAAAGATCAGGAGAGAGGCCGTGAACAAGAAAATGGTGCAAGGGTCATTCACATCT-3'
Protein context (NP_003117.2, residues 1961-1981): GDFLTLLAKQ[Asp1971Asn]TLDASLQSFQ